The following is an entry in ClinVar:

ClinVar aggregate classification (germline): Benign (1 of 4 stars; one submission).

Conditions:
Prostate cancer, hereditary, 9 (HPC9). Identifiers: Orphanet 1331, MedGen C1970250, MONDO:0012597, OMIM 610997.

Submission:

Myriad Genetics, Inc.
Classification: Benign for Prostate cancer, hereditary, 9. Last evaluated: 2024-10-29. Review status: criteria provided, single submitter. Criteria: Myriad Autosomal Dominant, Autosomal Recessive and X-Linked Classification Criteria (2023). Collection method: clinical testing. Allele origin: unknown.
Comment: This variant is considered benign. This variant is a silent/synonymous amino acid change and it is not expected to impact splicing.

NM_006361.6(HOXB13):c.396A>G (p.Gly132=)

Gene: HOXB13 (homeobox B13; minus strand). Cytogenetic location: 17q21.32.
Variant type: single nucleotide variant.
Coding change: c.396A>G on transcript NM_006361.6 (MANE Select); coding-DNA position 396, A replaced by G.
Protein change: p.Gly132=; no amino-acid change (glycine 132 retained).
Molecular consequence: synonymous variant.
Genome position (GRCh38, 1-based): chr17:48,728,198, T>C on the plus strand (A>G on the coding strand, the complement: HOXB13 is on the minus strand). VCF-style: chr17-48728198-T-C. GRCh37 (hg19) VCF-style: chr17-46805560-T-C.
Identifiers: ClinVar variation 3772997 (VCV003772997.1).